The following is an entry in ClinVar:

NC_000016.9:g.(?_23646173)_(23652478_?)del

Gene: PALB2 (partner and localizer of BRCA2; minus strand). Cytogenetic location: 16p12.2.
Variant type: Deletion.
Identifiers: ClinVar variation 3243348 (VCV003243348.1).

ClinVar aggregate classification (germline): Pathogenic (1 of 4 stars; one submission).

Conditions:
Familial cancer of breast. Also called: BREAST CANCER, FAMILIAL; Hereditary breast cancer; hereditary breast carcinoma. Identifiers: Orphanet 227535, MedGen C0346153, MONDO:0016419, OMIM 114480. Disease mechanism: loss of function.

Submission:

Labcorp Genetics (formerly Invitae), Labcorp
Classification: Pathogenic for Familial cancer of breast. Last evaluated: 2023-02-10. Review status: criteria provided, single submitter. Criteria: Invitae Variant Classification Sherloc (09022015). Collection method: clinical testing. Allele origin: unknown.
Comment: This variant is a gross deletion of the genomic region encompassing exon(s) 1-4 of the PALB2 gene, which includes the initiator codon. This deletion extends beyond the assayed region for this gene and therefore may encompass additional genes. It is expected to result in an absent or disrupted protein product. Loss-of-function variants in PALB2 are known to be pathogenic (PMID: 17200668, 17200671, 17200672, 24136930, 25099575). This variant has not been reported in the literature in individuals affected with PALB2-related conditions. For these reasons, this variant has been classified as Pathogenic.

Literature cited by the submitters: PubMed 17200668; PubMed 17200671; PubMed 17200672; PubMed 24136930; PubMed 25099575.